The following is an entry in ClinVar:

NM_014244.5(ADAMTS2):c.55del (p.Leu19fs)

Gene: ADAMTS2 (ADAM metallopeptidase with thrombospondin type 1 motif 2; minus strand). Cytogenetic location: 5q35.3.
Variant type: Deletion.
Coding change: c.55del on transcript NM_014244.5 (MANE Select); coding-DNA position 55, one base deleted (C; older notation c.55delC).
Protein change: p.Leu19fs; shifts the reading frame from leucine 19.
Molecular consequence: frameshift variant.
Genome position (GRCh38, 1-based): chr5:179,345,274, G deleted on the plus strand (C on the coding strand, the reverse complement: ADAMTS2 is on the minus strand). VCF-style (leftmost placement, unchanged base first): chr5-179345273-AG-A. GRCh37 (hg19) VCF-style: chr5-178772274-AG-A.
Other names: c.55del, p.Leu19fs (NM_021599.4); short protein forms L19fs.
Identifiers: ClinVar variation 945961 (VCV000945961.8), dbSNP rs1757915135, ClinGen allele CA1139659297.
Genomic context (GRCh38, chr5:179,345,273, plus strand): 5'-AGCCTGGCGTTCGCGGGCGGCGGCGGCGGCGGCAGGAGCGGCGGCGGCAGCAGCAGCAGC[AG>A]CAGCAGCAGCGCGGGGCAGAGCAGGCGGCGAGCGGCTCCCGCCGGCGGATCCATGGCAGC-3'

ClinVar aggregate classification (germline): Pathogenic (1 of 4 stars; one submission).

Conditions:
Ehlers-Danlos syndrome, dermatosparaxis type. Also called: Ehlers-Danlos syndrome, type VII, autosomal recessive; EDS VIIC; Dermatosparaxis. Identifiers: Orphanet 1901, MedGen C2700425, MONDO:0009161, OMIM 225410.

Submission:

Labcorp Genetics (formerly Invitae), Labcorp
Classification: Pathogenic for Ehlers-Danlos syndrome, dermatosparaxis type. Last evaluated: 2022-10-28. Review status: criteria provided, single submitter. Criteria: Invitae Variant Classification Sherloc (09022015). Collection method: clinical testing. Allele origin: germline.
Comment: This variant has not been reported in the literature in individuals affected with ADAMTS2-related conditions. This sequence change creates a premature translational stop signal (p.Leu19Cysfs*146) in the ADAMTS2 gene. It is expected to result in an absent or disrupted protein product. Loss-of-function variants in ADAMTS2 are known to be pathogenic (PMID: 10417273). This variant is not present in population databases (gnomAD no frequency). ClinVar contains an entry for this variant (Variation ID: 945961). For these reasons, this variant has been classified as Pathogenic.

Literature cited by the submitters: PubMed 10417273.